The following is an entry in ClinVar:

ClinVar aggregate classification (germline): Likely pathogenic (1 of 4 stars; one submission).

Conditions:
Developmental and epileptic encephalopathy, 18 (DEE18). Also called: Early infantile epileptic encephalopathy 18. Identifiers: Orphanet 369894, MedGen C3809624, MONDO:0014201, OMIM 615476.

Submission:

Faculty of Engineering and Natural Sciences, Biruni University
Classification: Likely pathogenic for Developmental and epileptic encephalopathy, 18. Last evaluated: 2023-10-26. Review status: criteria provided, single submitter. Criteria: ACMG Guidelines, 2015. Collection method: clinical testing. Allele origin: germline. Affected: yes. Observed: 1 variant allele.
Comment: The c.8589del substitution in the SZT2 (NM_001365999.1) gene causes a frameshift change in the protein and causes a stop at region 2910(PVS1). So far, this change has not been recorded in population databases(gnomAD)(PM2).Developmental and epileptic encephalopathy-18 (DEE18) is a severe autosomal recessive neurological disorder in which phenotypic features such as generalised seizures, hypotonia and lack of psychomotor development have been previously described(PMID:30359774). In previous studies, Tsuchida et al (2018) identified 6 new compound heterozygous mutations (PMID:28556953) in the SZT2 gene in 3 children with DEE18.

Literature cited by the submitters: PubMed 28556953; PubMed 30560016; PubMed 30359774.

NM_001365999.1(SZT2):c.8589del (p.His2863fs)

Gene: SZT2 (SZT2 subunit of KICSTOR complex; plus strand). Cytogenetic location: 1p34.2.
Variant type: Deletion.
Coding change: c.8589del on transcript NM_001365999.1 (MANE Select); coding-DNA position 8589, one base deleted (T; older notation c.8589delT).
Protein change: p.His2863fs; shifts the reading frame from histidine 2863.
Molecular consequence: frameshift variant.
Genome position (GRCh38, 1-based): chr1:43,443,441, T deleted. VCF-style (leftmost placement, unchanged base first): chr1-43443440-AT-A. GRCh37 (hg19) VCF-style: chr1-43909111-AT-A.
Other names: c.8418del, p.His2806fs (NM_015284.4); short protein forms H2806fs, H2863fs.
Identifiers: ClinVar variation 3341085 (VCV003341085.2).